The following is an entry in ClinVar:

NM_024589.3(ROGDI):c.584A>T (p.Asn195Ile)

Gene: ROGDI (rogdi atypical leucine zipper; minus strand). Cytogenetic location: 16p13.3.
Variant type: single nucleotide variant.
Coding change: c.584A>T on transcript NM_024589.3 (MANE Select); coding-DNA position 584, A replaced by T.
Protein change: p.Asn195Ile; replaces asparagine 195 with isoleucine.
Molecular consequence: missense variant. On other transcripts: non-coding transcript variant (1).
Genome position (GRCh38, 1-based): chr16:4,798,132, T>A on the plus strand (A>T on the coding strand, the complement: ROGDI is on the minus strand). VCF-style: chr16-4798132-T-A. GRCh37 (hg19) VCF-style: chr16-4848133-T-A.
Other names: short protein forms N195I.
Identifiers: ClinVar variation 574700 (VCV000574700.7), dbSNP rs201116642, ClinGen allele CA7882626.

ClinVar aggregate classification (germline): Uncertain significance (1 of 4 stars; one submission).

Conditions:
Amelocerebrohypohidrotic syndrome (KTZS). Also called: KOHLSCHUTTER SYNDROME; EPILEPSY AND YELLOW TEETH; EPILEPSY, DEMENTIA, AND AMELOGENESIS IMPERFECTA; Kohlschutter's syndrome. Identifiers: Orphanet 1946, MedGen C0406740, MONDO:0009185, OMIM 226750.

Allele frequency attached by ClinVar (database versions not stated): TOPMed 0.00007.
gnomAD v4.1: 4 of 1,613,728 alleles (0.00025%); highest among the groups gnomAD compares: African/African-American, 0.0053%; no homozygotes.

Submission:

Labcorp Genetics (formerly Invitae), Labcorp
Classification: Uncertain significance for Amelocerebrohypohidrotic syndrome. Last evaluated: 2021-09-01. Review status: criteria provided, single submitter. Criteria: Invitae Variant Classification Sherloc (09022015). Collection method: clinical testing. Allele origin: germline.
Comment: This sequence change replaces asparagine with isoleucine at codon 195 of the ROGDI protein (p.Asn195Ile). The asparagine residue is highly conserved and there is a large physicochemical difference between asparagine and isoleucine. This variant is present in population databases (rs201116642, ExAC 0.02%). This variant has not been reported in the literature in individuals affected with ROGDI-related conditions. Algorithms developed to predict the effect of missense changes on protein structure and function are either unavailable or do not agree on the potential impact of this missense change (SIFT: "Deleterious"; PolyPhen-2: "Possibly Damaging"; Align-GVGD: "Class C15"). In summary, the available evidence is currently insufficient to determine the role of this variant in disease. Therefore, it has been classified as a Variant of Uncertain Significance.